The following is an entry in ClinVar:

NM_004104.5(FASN):c.48G>A (p.Ser16=)

Gene: FASN (fatty acid synthase; minus strand). Cytogenetic location: 17q25.3.
Variant type: single nucleotide variant.
Coding change: c.48G>A on transcript NM_004104.5 (MANE Select); coding-DNA position 48, G replaced by A.
Protein change: p.Ser16=; no amino-acid change (serine 16 retained).
Molecular consequence: synonymous variant.
Genome position (GRCh38, 1-based): chr17:82,096,398, C>T on the plus strand (G>A on the coding strand, the complement: FASN is on the minus strand). VCF-style: chr17-82096398-C-T. GRCh37 (hg19) VCF-style: chr17-80054274-C-T.
Identifiers: ClinVar variation 767460 (VCV000767460.11), dbSNP rs766051789, ClinGen allele CA8853690.

ClinVar aggregate classification (germline): Benign. Review status: criteria provided, single submitter (1 of 4 stars). 2 submissions from 2 submitters: Benign (1). 1 of the submissions does not count toward it. Last evaluated 2025-12-03.

Conditions:
Epileptic encephalopathy. Identifiers: MedGen C0543888, HP:0200134.
FASN-related disorder. Also called: FASN-related condition.

Allele frequency attached by ClinVar (database versions not stated): gnomAD 0.00009; gnomAD exomes 0.00011 and 0.00028; TOPMed 0.00015; ExAC 0.00027.
gnomAD v4.1: 164 of 1,612,782 alleles (0.01%); highest among the groups gnomAD compares: Admixed American, 0.11%; 1 homozygote.

Submissions (2):

Labcorp Genetics (formerly Invitae), Labcorp
Classification: Benign for Epileptic encephalopathy. Last evaluated: 2025-12-03. Review status: criteria provided, single submitter. Criteria: Invitae Variant Classification Sherloc (09022015). Collection method: clinical testing. Allele origin: germline.

PreventionGenetics, part of Exact Sciences
Classification: Likely benign for FASN-related condition. Last evaluated: 2020-11-25. Review status: no assertion criteria provided. Collection method: clinical testing. Allele origin: germline. Not counted in ClinVar's aggregate classification.
Comment: This variant is classified as likely benign based on ACMG/AMP sequence variant interpretation guidelines (Richards et al. 2015 PMID: 25741868, with internal and published modifications).